The following is an entry in ClinVar:

ClinVar aggregate classification (germline): Uncertain significance (1 of 4 stars; one submission).

Conditions:
PDE6B-related disorder. Also called: PDE6B-related disease; PDE6B-related condition; PDE6B-related disorders.

gnomAD v4.1: 13 of 1,613,180 alleles (0.00081%); highest among the groups gnomAD compares: South Asian, 0.0011%; no homozygotes.

Submission:

PreventionGenetics, part of Exact Sciences
Classification: Uncertain significance for PDE6B-related condition. Last evaluated: 2024-12-19. Review status: criteria provided, single submitter. Criteria: ACMG Guidelines, 2015. Collection method: clinical testing. Allele origin: germline.
Comment: The PDE6B c.1281G>C variant is predicted to result in the amino acid substitution p.Trp427Cys. To our knowledge, this variant has not been reported in the literature. This variant is reported in 0.0033% of alleles in individuals of South Asian descent in gnomAD. At this time, the clinical significance of this variant is uncertain due to the absence of conclusive functional and genetic evidence.

NM_000283.4(PDE6B):c.1281G>C (p.Trp427Cys)

Gene: PDE6B (phosphodiesterase 6B; plus strand). Cytogenetic location: 4p16.3.
Variant type: single nucleotide variant.
Coding change: c.1281G>C on transcript NM_000283.4 (MANE Select); coding-DNA position 1281, G replaced by C.
Protein change: p.Trp427Cys; replaces tryptophan 427 with cysteine.
Molecular consequence: missense variant.
Genome position (GRCh38, 1-based): chr4:657,374, G>C. VCF-style: chr4-657374-G-C. GRCh37 (hg19) VCF-style: chr4-651163-G-C.
Other names: c.1281G>C, p.Trp427Cys (NM_001145291.2, NM_001440547.1, NM_001440548.1); c.444G>C, p.Trp148Cys (NM_001145292.2, NM_001350154.3, NM_001379246.1 and 1 more transcripts); c.126G>C, p.Trp42Cys (NM_001350155.3); short protein forms W42C, W148C, W427C.
Identifiers: ClinVar variation 4978907 (VCV004978907.1).
Genomic context (GRCh38, chr4:657,374, plus strand): 5'-GAGCGCTGAGCGCCAGTGACACTGCCATCCCCTCCAGTCCCTGACACAGTTCCTGGGCTG[G>C]TCAGTGATGAACACCGACACCTACGACAAGATGAACAAGCTGGAGAACCGCAAGGACATC-3'
Protein context (NP_000274.3, residues 417-437): LMESLTQFLG[Trp427Cys]SVMNTDTYDK